The following is an entry in ClinVar:

ClinVar aggregate classification (germline): Benign/Likely benign. Review status: criteria provided, multiple submitters, no conflicts (2 of 4 stars). 2 submissions from 2 submitters: Benign (1); Likely benign (1). Last evaluated 2023-04-01.

Conditions:
Peroxisome biogenesis disorder 7A (Zellweger). Also called: Peroxisome biogenesis disorder 7A. Identifiers: Orphanet 912, MedGen C3888385, MONDO:0013938, OMIM 614872.

Allele frequency attached by ClinVar (database versions not stated): 1000 Genomes Project 0.00379; 1000 Genomes Project 30x 0.00453; TOPMed 0.00606; gnomAD 0.00683 and 0.00688.

Submissions (2):

CeGaT Center for Human Genetics Tuebingen
Classification: Benign. Last evaluated: 2023-04-01. Review status: criteria provided, single submitter. Criteria: CeGaT Center For Human Genetics Tuebingen Variant Classification Criteria Version 2. Collection method: clinical testing. Allele origin: germline. Affected: yes. Observed: 6 variant alleles.
Comment: PEX26: BS1, BS2

Illumina Laboratory Services, Illumina
Classification: Likely benign for Peroxisome biogenesis disorder 7A (Zellweger). Last evaluated: 2018-01-13. Review status: criteria provided, single submitter. Criteria: ICSL Variant Classification Criteria 13 December 2019. Collection method: clinical testing. Allele origin: germline.
Comment: This variant was observed in the ICSL laboratory as part of a predisposition screen in an ostensibly healthy population. It had not been previously curated by ICSL or reported in the Human Gene Mutation Database (HGMD: prior to June 1st, 2018), and was therefore a candidate for classification through an automated scoring system. Utilizing variant allele frequency, disease prevalence and penetrance estimates, and inheritance mode, an automated score was calculated to assess if this variant is too frequent to cause the disease. Based on the score and internal cut-off values, a variant classified as likely benign is not then subjected to further curation. The score for this variant resulted in a classification of likely benign for this disease.

NM_001127649.3(PEX26):c.*2162G>A

Gene: PEX26 (peroxisomal biogenesis factor 26; plus strand). Cytogenetic location: 22q11.21.
Variant type: single nucleotide variant.
Coding change: c.*2162G>A on transcript NM_001127649.3 (MANE Select); 2162 bases downstream of the stop codon, G replaced by A.
Molecular consequence: 3 prime UTR variant.
Genome position (GRCh38, 1-based): chr22:18,090,237, G>A. VCF-style: chr22-18090237-G-A. GRCh37 (hg19) VCF-style: chr22-18573003-G-A.
Other names: c.*2162G>A (NM_001199319.2, NM_017929.6).
Identifiers: ClinVar variation 340806 (VCV000340806.36), dbSNP rs45489191, ClinGen allele CA10645112.